The following is an entry in ClinVar:

ClinVar aggregate classification (germline): Benign. Review status: criteria provided, multiple submitters, no conflicts (2 of 4 stars). 2 submissions from 2 submitters: Benign (2). Last evaluated 2018-01-13.

Conditions:
Peroxisome biogenesis disorder 7A (Zellweger). Also called: Peroxisome biogenesis disorder 7A. Identifiers: Orphanet 912, MedGen C3888385, MONDO:0013938, OMIM 614872.

Allele frequency attached by ClinVar (database versions not stated): gnomAD exomes 0.98438; TOPMed 0.99205; gnomAD 0.99208 and 0.99212; 1000 Genomes Project 0.99601; 1000 Genomes Project 30x 0.99625.
gnomAD v4.1: 151,266 of 152,474 alleles (99%); highest among the groups gnomAD compares: East Asian, 100%; 75,039 homozygotes.

Submissions (2):

Illumina Laboratory Services, Illumina
Classification: Benign for Peroxisome biogenesis disorder 7A (Zellweger). Last evaluated: 2018-01-13. Review status: criteria provided, single submitter. Criteria: ICSL Variant Classification Criteria 13 December 2019. Collection method: clinical testing. Allele origin: germline.
Comment: This variant was observed in the ICSL laboratory as part of a predisposition screen in an ostensibly healthy population. It had not been previously curated by ICSL or reported in the Human Gene Mutation Database (HGMD: prior to June 1st, 2018), and was therefore a candidate for classification through an automated scoring system. Utilizing variant allele frequency, disease prevalence and penetrance estimates, and inheritance mode, an automated score was calculated to assess if this variant is too frequent to cause the disease. Based on the score and internal cut-off values, a variant classified as benign is not then subjected to further curation. The score for this variant resulted in a classification of benign for this disease.

Breakthrough Genomics
Classification: Benign. Review status: criteria provided, single submitter. Criteria: ACMG Guidelines, 2015. Collection method: not provided. Allele origin: germline. Inheritance: Autosomal recessive inheritance. Affected: yes.

NM_001127649.3(PEX26):c.*2281T>C

Gene: PEX26 (peroxisomal biogenesis factor 26; plus strand). Cytogenetic location: 22q11.21.
Variant type: single nucleotide variant.
Coding change: c.*2281T>C on transcript NM_001127649.3 (MANE Select); 2281 bases downstream of the stop codon, T replaced by C.
Molecular consequence: 3 prime UTR variant.
Genome position (GRCh38, 1-based): chr22:18,090,356, T>C. VCF-style: chr22-18090356-T-C. GRCh37 (hg19) VCF-style: chr22-18573122-T-C.
Other names: c.*2281T>C (NM_001199319.2, NM_017929.6).
Identifiers: ClinVar variation 340807 (VCV000340807.6), dbSNP rs362209, ClinGen allele CA10653221.
Genomic context (GRCh38, chr22:18,090,356, plus strand): 5'-CCCCTATGTGCTGGTTTTGGCTAAGATCTCCCCTTTGATGTGGGTCCCCTGTTGATTATA[T>C]GTGCGGCCTTCCAGCTGCCCACCATCACAGCTACAGCTCGCTCCCCTTGGCCTCTGTGCC-3'